The following is an entry in ClinVar:

NM_014362.4(HIBCH):c.891+1G>A

Gene: HIBCH (3-hydroxyisobutyryl-CoA hydrolase; minus strand). Cytogenetic location: 2q32.2.
Variant type: single nucleotide variant.
Coding change: c.891+1G>A on transcript NM_014362.4 (MANE Select); the canonical splice donor site of the intron after coding-DNA position 891, G replaced by A.
Molecular consequence: splice donor variant.
Genome position (GRCh38, 1-based): chr2:190,244,886, C>T on the plus strand (G>A on the coding strand, the complement: HIBCH is on the minus strand). VCF-style: chr2-190244886-C-T. GRCh37 (hg19) VCF-style: chr2-191109612-C-T.
Other names: c.891+1G>A (NM_198047.3).
Identifiers: ClinVar variation 1492266 (VCV001492266.8), dbSNP rs915412371, ClinGen allele CA62614351.

ClinVar aggregate classification (germline): Pathogenic/Likely pathogenic. Review status: criteria provided, multiple submitters, no conflicts (2 of 4 stars). 5 submissions from 5 submitters: Pathogenic (1); Likely pathogenic (4). Last evaluated 2026-03-26.

Conditions:
HIBCH-related disorders.
3-hydroxyisobutyryl-CoA hydrolase deficiency. Also called: HIBCH DEFICIENCY; METHACRYLIC ACID TOXICITY; METHACRYLIC ACIDURIA; VALINE METABOLIC DEFECT; Reduced circulating 3-hydroxyisobutyryl-CoA hydrolase activity; Deficiency of 3-hydroxyisobutyryl CoA hydrolase. Identifiers: Orphanet 88639, MedGen C0342738, MONDO:0009603, OMIM 250620, HP:6000215.

Allele frequency attached by ClinVar (database versions not stated): gnomAD 0.00001 and 0.00003; gnomAD exomes 0.00001; TOPMed 0.00001.
gnomAD v4.1: 22 of 1,594,072 alleles (0.0014%); highest among the groups gnomAD compares: Admixed American, 0.0067%; no homozygotes.

Submissions (6):

Victorian Clinical Genetics Services, Murdoch Childrens Research Institute
Classification: Pathogenic for 3-hydroxyisobutyryl-CoA hydrolase deficiency. Last evaluated: 2026-03-26. Review status: criteria provided, single submitter. Criteria: ACMG Guidelines, 2015. Collection method: clinical testing. Allele origin: germline. Affected: yes.
Comment: This variant is classified as Pathogenic. Evidence in support of pathogenic classification: Canonical splice site variant without proven consequence on splicing (no functional evidence available); Variant is present in gnomAD <0.01 for a recessive condition (v4: 22 heterozygote(s), 0 homozygote(s)); This variant has moderate previous evidence of pathogenicity in unrelated individuals. This variant has been classified as likely pathogenic by clinical laboratories in ClinVar; Functional evidence supporting abnormal protein function. Proteomics completed on this individual's fibroblasts showed a significant reduction in HIBCH levels compared to controls (PMID: 40400026). Additionally, respiratory chain enzymology on this individual's muscle showed an isolated complex I defect; Abnormal splicing is predicted by in silico tool and affected nucleotide is highly conserved. Additional information: This variant is heterozygous; This gene is associated with autosomal recessive disease; Alternative nucleotide change(s) at the same canonical splice site are present in gnomAD (v4: 1 heterozygote(s), 0 homozygote(s)); No published evidence of segregation with disease has been identified for this variant; No comparable canonical splice site variants have previous evidence for pathogenicity; Loss of function is a known mechanism of disease in this gene and is associated with 3-hydroxyisobutryl-CoA hydrolase deficiency (MIM#250620); Inheritance information for this variant is not currently available in this individual.

GeneDx
Classification: Likely pathogenic. Last evaluated: 2025-06-10. Review status: criteria provided, single submitter. Criteria: GeneDx Variant Classification Process June 2021. Collection method: clinical testing. Allele origin: germline. Affected: yes.
Comment: Canonical splice site variant predicted to result in a null allele in a gene for which loss of function is a known mechanism of disease; Not observed at significant frequency in large population cohorts (gnomAD); Previously reported in the heterozygous state in an individual from a cohort of patients with mitochondrial disease; variants in other relevant genes were also identified (PMID: 40400026); This variant is associated with the following publications: (PMID: 40400026)

Women's Health and Genetics/Laboratory Corporation of America, LabCorp
Classification: Likely pathogenic for 3-hydroxyisobutyryl-CoA hydrolase deficiency. Last evaluated: 2025-03-21. Review status: criteria provided, single submitter. Criteria: LabCorp Variant Classification Summary - May 2015. Collection method: clinical testing. Allele origin: germline.
Comment: Variant summary: HIBCH c.891+1G>A is located in a canonical splice-site and is predicted to affect mRNA splicing resulting in a significantly altered protein due to either exon skipping, shortening, or inclusion of intronic material. Variants that disrupt the consensus splice site are a relatively common cause of aberrant splicing and loss of HIBCH function. Several computational tools predict a significant impact on normal splicing: Four predict the variant abolishes a 5' splicing donor site. However, these predictions have yet to be confirmed by functional studies. The variant allele was found at a frequency of 8e-06 in 251292 control chromosomes. To our knowledge, no occurrence of c.891+1G>A in individuals affected with Beta-Hydroxyisobutyryl Deacylase Deficiency and no experimental evidence demonstrating its impact on protein function have been reported. ClinVar contains an entry for this variant (Variation ID: 1492266). Based on the evidence outlined above, the variant was classified as likely pathogenic.

Blueprint Genetics
Classification: Likely pathogenic for HIBCH-related disorders. Last evaluated: 2024-11-05. Review status: criteria provided, single submitter. Criteria: ACMG Guidelines, 2015. Collection method: clinical testing. Allele origin: germline. Affected: yes. Observed: 5 variant alleles.

Labcorp Genetics (formerly Invitae), Labcorp
Classification: Likely pathogenic for 3-hydroxyisobutyryl-CoA hydrolase deficiency. Last evaluated: 2022-10-27. Review status: criteria provided, single submitter. Criteria: Invitae Variant Classification Sherloc (09022015). Collection method: clinical testing. Allele origin: germline.
Comment: This sequence change affects a donor splice site in intron 11 of the HIBCH gene. It is expected to disrupt RNA splicing. Variants that disrupt the donor or acceptor splice site typically lead to a loss of protein function (PMID: 16199547), and loss-of-function variants in HIBCH are known to be pathogenic (PMID: 17160907, 26163321). This variant is present in population databases (no rsID available, gnomAD 0.002%). This variant has not been reported in the literature in individuals affected with HIBCH-related conditions. ClinVar contains an entry for this variant (Variation ID: 1492266). Algorithms developed to predict the effect of sequence changes on RNA splicing suggest that this variant may disrupt the consensus splice site. In summary, the currently available evidence indicates that the variant is pathogenic, but additional data are needed to prove that conclusively. Therefore, this variant has been classified as Likely Pathogenic.

Dr. Peter K. Rogan Lab, Western University
No classification provided (evidence only). Condition: Cervical cancer. Review status: no classification provided. Collection method: in vitro. Allele origin: not applicable. Functional consequence: retained intron. Not counted in ClinVar's aggregate classification.

Literature cited by the submitters: PubMed 40400026 (cited by Victorian Clinical Genetics Services, Murdoch Childrens Research Institute); PubMed 16199547 (cited by Labcorp Genetics (formerly Invitae), Labcorp); PubMed 17160907 (cited by Labcorp Genetics (formerly Invitae), Labcorp); PubMed 26163321 (cited by Labcorp Genetics (formerly Invitae), Labcorp).